The following is an entry in ClinVar:

ClinVar aggregate classification (germline): Pathogenic (1 of 4 stars; one submission).

Conditions:
Lynch syndrome 5 (LYNCH5). Also called: Colorectal cancer, hereditary nonpolyposis, type 5; Hereditary non-polyposis colorectal cancer, type 5. Identifiers: Orphanet 144, MedGen C1833477, MONDO:0013710, OMIM 614350. Disease mechanism: loss of function.

Submission:

Myriad Genetics, Inc.
Classification: Pathogenic for Lynch syndrome 5. Last evaluated: 2023-08-10. Review status: criteria provided, single submitter. Criteria: Myriad Autosomal Dominant, Autosomal Recessive and X-Linked Classification Criteria (2023). Collection method: clinical testing. Allele origin: unknown.
Comment: This variant is considered pathogenic. This variant creates a termination codon and is predicted to result in premature protein truncation.

NM_000179.3(MSH6):c.676G>T (p.Glu226Ter)

Gene: MSH6 (mutS homolog 6; plus strand). Cytogenetic location: 2p16.3.
Variant type: single nucleotide variant.
Coding change: c.676G>T on transcript NM_000179.3 (MANE Select); coding-DNA position 676, G replaced by T.
Protein change: p.Glu226Ter; replaces glutamic acid 226 with a stop codon.
Molecular consequence: nonsense. On other transcripts: 5 prime UTR variant (9), non-coding transcript variant (4), intron variant (1).
Genome position (GRCh38, 1-based): chr2:47,798,659, G>T. VCF-style: chr2-47798659-G-T. GRCh37 (hg19) VCF-style: chr2-48025798-G-T.
Other names: c.286G>T, p.Glu96Ter (NM_001281492.2); c.-231G>T (NM_001281493.2, NM_001281494.2, NM_001406811.1 and 6 more transcripts); c.772G>T, p.Glu258Ter (NM_001406795.1, NM_001406802.1); c.676G>T, p.Glu226Ter (NM_001406796.1, NM_001406798.1, NM_001406800.1 and 4 more transcripts); c.379G>T, p.Glu127Ter (NM_001406797.1, NM_001406801.1, NM_001406805.1 and 10 more transcripts); c.151G>T, p.Glu51Ter (NM_001406799.1, NM_001406806.1, NM_001406807.1); c.598G>T, p.Glu200Ter (NM_001406804.1); c.682G>T, p.Glu228Ter (NM_001406813.1); and 2 more; short protein forms E127*, E170*, E200*, E226*, E228*, E258*, E51*, E96*.
Identifiers: ClinVar variation 2673664 (VCV002673664.1), dbSNP rs2104290522, ClinGen allele CA346739866.